The following is an entry in ClinVar:

NM_024529.5(CDC73):c.196A>T (p.Asn66Tyr)

Gene: CDC73 (cell division cycle 73; plus strand). Cytogenetic location: 1q31.2.
Variant type: single nucleotide variant.
Coding change: c.196A>T on transcript NM_024529.5 (MANE Select); coding-DNA position 196, A replaced by T.
Protein change: p.Asn66Tyr; replaces asparagine 66 with tyrosine.
Molecular consequence: missense variant.
Genome position (GRCh38, 1-based): chr1:193,125,176, A>T. VCF-style: chr1-193125176-A-T. GRCh37 (hg19) VCF-style: chr1-193094306-A-T.
Other names: short protein forms N66Y.
Identifiers: ClinVar variation 1996182 (VCV001996182.4), dbSNP rs1675542823, ClinGen allele CA343973172.

ClinVar aggregate classification (germline): Uncertain significance (1 of 4 stars; one submission).

Conditions:
Parathyroid carcinoma (PRTC). Also called: Parathyroid gland carcinoma; CDC73-Related Parathyroid Carcinoma. Identifiers: Orphanet 143, MedGen C0687150, MONDO:0012004, OMIM 608266, HP:0006780.

Submission:

Labcorp Genetics (formerly Invitae), Labcorp
Classification: Uncertain significance for Parathyroid carcinoma. Last evaluated: 2022-05-18. Review status: criteria provided, single submitter. Criteria: Invitae Variant Classification Sherloc (09022015). Collection method: clinical testing. Allele origin: germline.
Comment: This sequence change replaces asparagine, which is neutral and polar, with tyrosine, which is neutral and polar, at codon 66 of the CDC73 protein (p.Asn66Tyr). In summary, the available evidence is currently insufficient to determine the role of this variant in disease. Therefore, it has been classified as a Variant of Uncertain Significance. This variant is not present in population databases (gnomAD no frequency). This variant has not been reported in the literature in individuals affected with CDC73-related conditions. Algorithms developed to predict the effect of missense changes on protein structure and function are either unavailable or do not agree on the potential impact of this missense change (SIFT: "Tolerated"; PolyPhen-2: "Probably Damaging"; Align-GVGD: "Class C0").